The following is an entry in ClinVar:

ClinVar aggregate classification (germline): Uncertain significance. Review status: criteria provided, multiple submitters, no conflicts (2 of 4 stars). 2 submissions from 2 submitters: Uncertain significance (2). Last evaluated 2025-02-18.

Conditions:
TPRN-related disorder. Also called: TPRN-related condition.
Inborn genetic diseases. Identifiers: MedGen C0950123, MeSH D030342.

Allele frequency attached by ClinVar (database versions not stated): TOPMed 0.00004; gnomAD 0.00006; gnomAD exomes 0.00014.

Submissions (2):

PreventionGenetics, part of Exact Sciences
Classification: Uncertain significance for TPRN-related condition. Last evaluated: 2025-02-18. Review status: criteria provided, single submitter. Criteria: ACMG Guidelines, 2015. Collection method: clinical testing. Allele origin: germline.
Comment: The TPRN c.164C>T variant is predicted to result in the amino acid substitution p.Pro55Leu. To our knowledge, this variant has not been reported in the literature. This variant is reported in 0.011% of alleles in individuals of European (Non-Finnish) descent in gnomAD. At this time, the clinical significance of this variant is uncertain due to the absence of conclusive functional and genetic evidence.

Ambry Genetics
Classification: Uncertain significance for Inborn genetic diseases. Last evaluated: 2021-08-12. Review status: criteria provided, single submitter. Criteria: Ambry Variant Classification Scheme 2023. Collection method: clinical testing. Allele origin: germline.

NM_001128228.3(TPRN):c.164C>T (p.Pro55Leu)

Genes: TPRN (taperin; minus strand), LOC130003093 (ATAC-STARR-seq lymphoblastoid silent region 20590; plus strand). Cytogenetic location: 9q34.3.
Variant type: single nucleotide variant.
Coding change: c.164C>T on transcript NM_001128228.3 (MANE Select); coding-DNA position 164, C replaced by T.
Protein change: p.Pro55Leu; replaces proline 55 with leucine.
Molecular consequence: missense variant.
Genome position (GRCh38, 1-based): chr9:137,200,548, G>A on the plus strand (C>T on the coding strand, the complement: TPRN is on the minus strand). VCF-style: chr9-137200548-G-A. GRCh37 (hg19) VCF-style: chr9-140095000-G-A.
Other names: short protein forms P55L.
Identifiers: ClinVar variation 2350864 (VCV002350864.3), dbSNP rs1245277855, ClinGen allele CA375784509.
Genomic context (GRCh38, chr9:137,200,548, plus strand): 5'-GCCGCGCCCCCGCCGCGCCGCCGCTCGGCCTCCAGCAGCATGAACGGGTTCTCGCGCAGC[G>A]GGCCCAGGCTCTCGGCCAGCACCCGCTGCTCGGGCTCCGCCGCCCCGGGCCCCGCGCCCC-3'
Protein context (NP_001121700.2, residues 45-65): EQRVLAESLG[Pro55Leu]LRENPFMLLE